The following is an entry in ClinVar:

ClinVar aggregate classification (germline): Uncertain significance (1 of 4 stars; one submission).

Conditions:
Hereditary nonpolyposis colorectal neoplasms. Identifiers: MedGen C0009405, MeSH D003123.

Submission:

Labcorp Genetics (formerly Invitae), Labcorp
Classification: Uncertain significance for Hereditary nonpolyposis colorectal neoplasms. Last evaluated: 2022-03-20. Review status: criteria provided, single submitter. Criteria: Invitae Variant Classification Sherloc (09022015). Collection method: clinical testing. Allele origin: germline.
Comment: This sequence change replaces methionine, which is neutral and non-polar, with leucine, which is neutral and non-polar, at codon 1144 of the MSH6 protein (p.Met1144Leu). In summary, the available evidence is currently insufficient to determine the role of this variant in disease. Therefore, it has been classified as a Variant of Uncertain Significance. Advanced modeling of protein sequence and biophysical properties (such as structural, functional, and spatial information, amino acid conservation, physicochemical variation, residue mobility, and thermodynamic stability) performed at Invitae indicates that this missense variant is not expected to disrupt MSH6 protein function. ClinVar contains an entry for this variant (Variation ID: 1045298). This variant has not been reported in the literature in individuals affected with MSH6-related conditions. This variant is not present in population databases (gnomAD no frequency).

NM_000179.3(MSH6):c.3430A>T (p.Met1144Leu)

Gene: MSH6 (mutS homolog 6; plus strand). Cytogenetic location: 2p16.3.
Variant type: single nucleotide variant.
Coding change: c.3430A>T on transcript NM_000179.3 (MANE Select); coding-DNA position 3430, A replaced by T.
Protein change: p.Met1144Leu; replaces methionine 1144 with leucine.
Molecular consequence: missense variant.
Genome position (GRCh38, 1-based): chr2:47,803,677, A>T. VCF-style: chr2-47803677-A-T. GRCh37 (hg19) VCF-style: chr2-48030816-A-T.
Other names: c.3040A>T, p.Met1014Leu (NM_001281492.2); c.2524A>T, p.Met842Leu (NM_001281493.2, NM_001281494.2); short protein forms M842L, M1014L, M1144L.
Identifiers: ClinVar variation 1045298 (VCV001045298.9), dbSNP rs771925339, ClinGen allele CA346758954.
Genomic context (GRCh38, chr2:47,803,677, plus strand): 5'-AATGGCAAAGCCTATTGTGTGCTTGTTACTGGACCAAATATGGGGGGCAAGTCTACGCTT[A>T]TGAGACAGGTAACTGATTCTTAAAGTTTTGTTATCAGAAAGTCATTTGTGACATTAGGAA-3'
Protein context (NP_000170.1, residues 1134-1154): GPNMGGKSTL[Met1144Leu]RQAGLLAVMA